The following is an entry in ClinVar:

ClinVar aggregate classification (germline): Pathogenic (1 of 4 stars; one submission).

Conditions:
C3 glomerulonephritis. Also called: C3 GLOMERULOPATHY 3; Nephropathy due to CFHR5 Deficiency. Identifiers: Orphanet 329931, MedGen C4055342, MONDO:0013892, OMIM 614809.

Submission:

Genomenon, Inc
Classification: Pathogenic for C3 glomerulonephritis. Last evaluated: 2026-09-17. Review status: criteria provided, single submitter. Criteria: Genomenon Sequence Variant Interpretation Standards - Updated. Collection method: curation. Allele origin: germline. Affected: yes.
Comment: C3 p.Ser336AlafsTer32 (c.1005_1015del) is a frameshift variant that is predicted to introduce a premature termination codon and result in a truncated or absent protein product. This variant has been observed in at least one proband affected with C3 glomerulonephritis (PMID:42135206). It is absent or not present at a significant frequency in gnomAD. In conclusion, we classify C3 p.Ser336AlafsTer32 (c.1005_1015del) as a pathogenic variant.

Literature cited by the submitters: PubMed 42135206.

NC_000019.10:g.6712614_6712624del

Gene: C3 (complement C3; minus strand). Cytogenetic location: 19p13.3.
Variant type: Deletion.
Genome position: GRCh38 VCF-style: chr19-6712611-ACCATGTCACTG-A. GRCh37 (hg19) VCF-style: chr19-6712622-ACCATGTCACTG-A.
Identifiers: ClinVar variation 4976825 (VCV004976825.1).